The following is an entry in ClinVar:

NC_000008.11:g.(?_99135015)_(99143165_?)del

Gene: VPS13B (vacuolar protein sorting 13 homolog B; plus strand). Cytogenetic location: 8q22.2.
Variant type: Deletion.
Identifiers: ClinVar variation 832881 (VCV000832881.1).

ClinVar aggregate classification (germline): Pathogenic (1 of 4 stars; one submission).

Conditions:
Cohen syndrome (COH1). Also called: Cutis verticis gyrata, retinitis pigmentosa, and sensorineural deafness; PEPPER SYNDROME. Identifiers: Orphanet 193, MedGen C0265223, MONDO:0008999, OMIM 216550.

Submission:

Labcorp Genetics (formerly Invitae), Labcorp
Classification: Pathogenic for Cohen syndrome. Last evaluated: 2019-12-18. Review status: criteria provided, single submitter. Criteria: Invitae Variant Classification Sherloc (09022015). Collection method: clinical testing. Allele origin: germline.
Comment: This variant is an out-of-frame deletion of the genomic region encompassing exons 10-13 of the VPS13B gene. This is expected to create a premature translational stop signal and result in an absent or disrupted protein product. This variant has not been reported in the literature in individuals with VPS13B-related conditions. Loss-of-function variants in VPS13B are known to be pathogenic (PMID: 15141358, 16648375, 20461111). For these reasons, this variant has been classified as Pathogenic.